The following is an entry in ClinVar:

NM_000395.3(CSF2RB):c.101G>A (p.Arg34His)

Gene: CSF2RB (colony stimulating factor 2 receptor subunit beta; plus strand). Cytogenetic location: 22q12.3.
Variant type: single nucleotide variant.
Coding change: c.101G>A on transcript NM_000395.3 (MANE Select); coding-DNA position 101, G replaced by A.
Protein change: p.Arg34His; replaces arginine 34 with histidine.
Molecular consequence: missense variant.
Genome position (GRCh38, 1-based): chr22:36,923,268, G>A. VCF-style: chr22-36923268-G-A. GRCh37 (hg19) VCF-style: chr22-37319310-G-A.
Other names: short protein forms R34H.
Identifiers: ClinVar variation 1429654 (VCV001429654.7), dbSNP rs781297912, ClinGen allele CA10213346.

ClinVar aggregate classification (germline): Uncertain significance (1 of 4 stars; one submission).

Allele frequency attached by ClinVar (database versions not stated): ExAC 0.00001; gnomAD 0.00002; gnomAD exomes 0.00002.

Submission:

Labcorp Genetics (formerly Invitae), Labcorp
Classification: Uncertain significance. Last evaluated: 2022-12-09. Review status: criteria provided, single submitter. Criteria: Invitae Variant Classification Sherloc (09022015). Collection method: clinical testing. Allele origin: germline.
Comment: Advanced modeling of protein sequence and biophysical properties (such as structural, functional, and spatial information, amino acid conservation, physicochemical variation, residue mobility, and thermodynamic stability) performed at Invitae indicates that this missense variant is not expected to disrupt CSF2RB protein function. This sequence change replaces arginine, which is basic and polar, with histidine, which is basic and polar, at codon 34 of the CSF2RB protein (p.Arg34His). This variant is not present in population databases (gnomAD no frequency). This variant has not been reported in the literature in individuals affected with CSF2RB-related conditions. ClinVar contains an entry for this variant (Variation ID: 1429654). In summary, the available evidence is currently insufficient to determine the role of this variant in disease. Therefore, it has been classified as a Variant of Uncertain Significance.